The following is an entry in ClinVar:

NM_005027.4(PIK3R2):c.700_701delinsCA (p.Ser234His)

Genes: PIK3R2 (phosphoinositide-3-kinase regulatory subunit 2; plus strand), LOC130063979 (ATAC-STARR-seq lymphoblastoid silent region 10375; plus strand). Cytogenetic location: 19p13.11.
Variant type: Indel.
Coding change: c.700_701delinsCA on transcript NM_005027.4 (MANE Select); coding-DNA positions 700 to 701, AG replaced by CA.
Protein change: p.Ser234His; replaces serine 234 with histidine.
Molecular consequence: missense variant. On other transcripts: non-coding transcript variant (1).
Genome position (GRCh38, 1-based): chr19:18,161,380-18,161,381, AG replaced by CA. VCF-style: chr19-18161380-AG-CA. GRCh37 (hg19) VCF-style: chr19-18272190-AG-CA.
Other names: short protein forms S234H.
Identifiers: ClinVar variation 4751733 (VCV004751733.1).

ClinVar aggregate classification (germline): Uncertain significance (1 of 4 stars; one submission).

Conditions:
Megalencephaly-polymicrogyria-postaxial polydactyly-hydrocephalus syndrome. Also called: MEG-PMG-MEGACC SYNDROME; MPPH Syndrome. Identifiers: Orphanet 83473, MedGen C1863924, MONDO:0019375.

Submission:

Labcorp Genetics (formerly Invitae), Labcorp
Classification: Uncertain significance for Megalencephaly-polymicrogyria-postaxial polydactyly-hydrocephalus syndrome. Last evaluated: 2025-11-04. Review status: criteria provided, single submitter. Criteria: Invitae Variant Classification Sherloc (09022015). Collection method: clinical testing. Allele origin: germline.
Comment: This sequence change replaces arginine, which is basic and polar, with histidine, which is basic and polar, at codon 234 of the PIK3R2 protein (p.Arg234His). This variant is not present in population databases (gnomAD no frequency). This variant has not been reported in the literature in individuals affected with PIK3R2-related conditions. ClinVar contains an entry for this variant (Variation ID: 3932451). Experimental studies and prediction algorithms are not available or were not evaluated, and the functional significance of this variant is currently unknown. In summary, the available evidence is currently insufficient to determine the role of this variant in disease. Therefore, it has been classified as a Variant of Uncertain Significance.